The following is an entry in ClinVar:

ClinVar aggregate classification (germline): Uncertain significance (1 of 4 stars; one submission).

gnomAD v4.1: 2 of 1,612,268 alleles (0.00012%); highest among the groups gnomAD compares: Non-Finnish European, 0.00017%; no homozygotes.

Submission:

Labcorp Genetics (formerly Invitae), Labcorp
Classification: Uncertain significance. Last evaluated: 2021-09-20. Review status: criteria provided, single submitter. Criteria: Invitae Variant Classification Sherloc (09022015). Collection method: clinical testing. Allele origin: germline.
Comment: This sequence change replaces histidine with arginine at codon 745 of the CTR9 protein (p.His745Arg). The histidine residue is moderately conserved and there is a small physicochemical difference between histidine and arginine. This variant is not present in population databases (ExAC no frequency). This variant has not been reported in the literature in individuals affected with CTR9-related conditions. Algorithms developed to predict the effect of missense changes on protein structure and function (SIFT, PolyPhen-2, Align-GVGD) all suggest that this variant is likely to be tolerated. In summary, the available evidence is currently insufficient to determine the role of this variant in disease. Therefore, it has been classified as a Variant of Uncertain Significance.

NM_014633.5(CTR9):c.2234A>G (p.His745Arg)

Gene: CTR9 (CTR9 component of Paf1/RNA polymerase II complex; plus strand). Cytogenetic location: 11p15.4.
Variant type: single nucleotide variant.
Coding change: c.2234A>G on transcript NM_014633.5 (MANE Select); coding-DNA position 2234, A replaced by G.
Protein change: p.His745Arg; replaces histidine 745 with arginine.
Molecular consequence: missense variant.
Genome position (GRCh38, 1-based): chr11:10,770,494, A>G. VCF-style: chr11-10770494-A-G. GRCh37 (hg19) VCF-style: chr11-10792041-A-G.
Other names: c.2234A>G, p.His745Arg (NM_001346279.2); short protein forms H745R.
Identifiers: ClinVar variation 1495836 (VCV001495836.6), dbSNP rs2135378738, ClinGen allele CA379674938.